The following is an entry in ClinVar:

ClinVar aggregate classification (germline): Uncertain significance (1 of 4 stars; one submission).

Submission:

Labcorp Genetics (formerly Invitae), Labcorp
Classification: Uncertain significance. Last evaluated: 2025-11-24. Review status: criteria provided, single submitter. Criteria: Invitae Variant Classification Sherloc (09022015). Collection method: clinical testing. Allele origin: germline.
Comment: This sequence change replaces glycine, which is neutral and non-polar, with glutamic acid, which is acidic and polar, at codon 661 of the GUCY2C protein (p.Gly661Glu). This variant is not present in population databases (gnomAD no frequency). This variant has not been reported in the literature in individuals affected with GUCY2C-related conditions. Invitae Evidence Modeling of protein sequence and biophysical properties (such as structural, functional, and spatial information, amino acid conservation, physicochemical variation, residue mobility, and thermodynamic stability) indicates that this missense variant is expected to disrupt GUCY2C protein function with a positive predictive value of 80%. In summary, the available evidence is currently insufficient to determine the role of this variant in disease. Therefore, it has been classified as a Variant of Uncertain Significance.

NM_004963.4(GUCY2C):c.1982G>A (p.Gly661Glu)

Gene: GUCY2C (guanylate cyclase 2C; minus strand). Cytogenetic location: 12p12.3.
Variant type: single nucleotide variant.
Coding change: c.1982G>A on transcript NM_004963.4 (MANE Select); coding-DNA position 1982, G replaced by A.
Protein change: p.Gly661Glu; replaces glycine 661 with glutamic acid.
Molecular consequence: missense variant.
Genome position (GRCh38, 1-based): chr12:14,641,168, C>T on the plus strand (G>A on the coding strand, the complement: GUCY2C is on the minus strand). VCF-style: chr12-14641168-C-T. GRCh37 (hg19) VCF-style: chr12-14794102-C-T.
Other names: short protein forms G661E.
Identifiers: ClinVar variation 4746527 (VCV004746527.1).
Genomic context (GRCh38, chr12:14,641,168, plus strand): 5'-TAGAAGGTTTCTTTCCGCAGGATGATCTCCTGTGCGATGATCCCATAGCTGTACACATCT[C>T]CTTTCTGAGAGATGTTGGCTTGGCGGAGGTGCTCTGGAGCTGTCCACAGGTCTGTAAATG-3'
Protein context (NP_004954.2, residues 651-671): HLRQANISQK[Gly661Glu]DVYSYGIIAQ